The following is an entry in ClinVar:

ClinVar aggregate classification (germline): Pathogenic. Review status: criteria provided, single submitter (1 of 4 stars). 2 submissions from 2 submitters: Pathogenic (1). 1 of the submissions does not count toward it. Last evaluated 2024-06-12.

Conditions:
Autosomal dominant hypocalcemia 2. Identifiers: Orphanet 2238, Orphanet 428, MedGen C3809243, MONDO:0014146, OMIM 615361.

Submissions (2):

Labcorp Genetics (formerly Invitae), Labcorp
Classification: Pathogenic. Last evaluated: 2024-06-12. Review status: criteria provided, single submitter. Criteria: Invitae Variant Classification Sherloc (09022015). Collection method: clinical testing. Allele origin: germline.
Comment: This sequence change replaces arginine, which is basic and polar, with leucine, which is neutral and non-polar, at codon 60 of the GNA11 protein (p.Arg60Leu). This variant is not present in population databases (gnomAD no frequency). This missense change has been observed in individual(s) with autosomal dominant hypocalcemia (PMID: 6278146, 24823460, 36970776). It has also been observed to segregate with disease in related individuals. ClinVar contains an entry for this variant (Variation ID: 155926). Advanced modeling of protein sequence and biophysical properties (such as structural, functional, and spatial information, amino acid conservation, physicochemical variation, residue mobility, and thermodynamic stability) performed at Invitae indicates that this missense variant is expected to disrupt GNA11 protein function with a positive predictive value of 80%. Experimental studies have shown that this missense change affects GNA11 function (PMID: 24823460). This variant disrupts the p.Arg60 amino acid residue in GNA11. Other variant(s) that disrupt this residue have been determined to be pathogenic (PMID: 23802536; Invitae). This suggests that this residue is clinically significant, and that variants that disrupt this residue are likely to be disease-causing. For these reasons, this variant has been classified as Pathogenic.

OMIM
Classification: Pathogenic for HYPOCALCEMIA, AUTOSOMAL DOMINANT 2. Last evaluated: 2014-09-01. Review status: no assertion criteria provided. Collection method: literature only. Allele origin: germline. Not counted in ClinVar's aggregate classification.

Literature cited by the submitters: PubMed 6278146 (cited by Labcorp Genetics (formerly Invitae), Labcorp and OMIM); PubMed 24823460 (cited by Labcorp Genetics (formerly Invitae), Labcorp and OMIM); PubMed 36970776 (cited by Labcorp Genetics (formerly Invitae), Labcorp); PubMed 23802536 (cited by Labcorp Genetics (formerly Invitae), Labcorp).

NM_002067.5(GNA11):c.179G>T (p.Arg60Leu)

Gene: GNA11 (G protein subunit alpha 11; plus strand). Cytogenetic location: 19p13.3.
Variant type: single nucleotide variant.
Coding change: c.179G>T on transcript NM_002067.5 (MANE Select); coding-DNA position 179, G replaced by T.
Protein change: p.Arg60Leu; replaces arginine 60 with leucine.
Molecular consequence: missense variant.
Genome position (GRCh38, 1-based): chr19:3,110,191, G>T. VCF-style: chr19-3110191-G-T. GRCh37 (hg19) VCF-style: chr19-3110189-G-T.
Other names: short protein forms R60L.
Identifiers: ClinVar variation 155926 (VCV000155926.3), dbSNP rs587777707, ClinGen allele CA170731.
Genomic context (GRCh38, chr19:3,110,191, plus strand): 5'-ACGTGCCCCGTCCCCCAGGCACGGGCGAGAGCGGGAAGAGCACGTTCATCAAGCAGATGC[G>T]CATCATCCACGGCGCCGGCTACTCGGAGGAGGACAAGCGCGGCTTCACCAAGCTCGTCTA-3'
Protein context (NP_002058.2, residues 50-70): SGKSTFIKQM[Arg60Leu]IIHGAGYSEE